The following is an entry in ClinVar:

NM_002350.4(LYN):c.656G>T (p.Cys219Phe)

Gene: LYN (LYN proto-oncogene, Src family tyrosine kinase; plus strand). Cytogenetic location: 8q12.1.
Variant type: single nucleotide variant.
Coding change: c.656G>T on transcript NM_002350.4 (MANE Select); coding-DNA position 656, G replaced by T.
Protein change: p.Cys219Phe; replaces cysteine 219 with phenylalanine.
Molecular consequence: missense variant.
Genome position (GRCh38, 1-based): chr8:55,953,850, G>T. VCF-style: chr8-55953850-G-T. GRCh37 (hg19) VCF-style: chr8-56866409-G-T.
Other names: c.593G>T, p.Cys198Phe (NM_001111097.3); short protein forms C198F, C219F.
Identifiers: ClinVar variation 1496333 (VCV001496333.8), dbSNP rs2130498502, ClinGen allele CA371282057.

ClinVar aggregate classification (germline): Uncertain significance (1 of 4 stars; one submission).

Submission:

Labcorp Genetics (formerly Invitae), Labcorp
Classification: Uncertain significance. Last evaluated: 2024-11-05. Review status: criteria provided, single submitter. Criteria: Invitae Variant Classification Sherloc (09022015). Collection method: clinical testing. Allele origin: germline.
Comment: This sequence change replaces cysteine, which is neutral and slightly polar, with phenylalanine, which is neutral and non-polar, at codon 219 of the LYN protein (p.Cys219Phe). This variant is not present in population databases (gnomAD no frequency). This variant has not been reported in the literature in individuals affected with LYN-related conditions. ClinVar contains an entry for this variant (Variation ID: 1496333). An algorithm developed to predict the effect of missense changes on protein structure and function (PolyPhen-2) suggests that this variant is likely to be disruptive. In summary, the available evidence is currently insufficient to determine the role of this variant in disease. Therefore, it has been classified as a Variant of Uncertain Significance.